The following is an entry in ClinVar:

NM_177438.3(DICER1):c.1694A>T (p.Asp565Val)

Gene: DICER1 (dicer 1, ribonuclease III; minus strand). Cytogenetic location: 14q32.13.
Variant type: single nucleotide variant.
Coding change: c.1694A>T on transcript NM_177438.3 (MANE Select); coding-DNA position 1694, A replaced by T.
Protein change: p.Asp565Val; replaces aspartic acid 565 with valine.
Molecular consequence: missense variant.
Genome position (GRCh38, 1-based): chr14:95,116,511, T>A on the plus strand (A>T on the coding strand, the complement: DICER1 is on the minus strand). VCF-style: chr14-95116511-T-A. GRCh37 (hg19) VCF-style: chr14-95582848-T-A.
Other names: c.1694A>T, p.Asp565Val (NM_001195573.1, NM_001271282.3, NM_001291628.2 and 1 more transcripts); short protein forms D565V.
Identifiers: ClinVar variation 938738 (VCV000938738.13), dbSNP rs1342138544, ClinGen allele CA390884778.

ClinVar aggregate classification (germline): Uncertain significance. Review status: criteria provided, multiple submitters, no conflicts (2 of 4 stars). 2 submissions from 2 submitters: Uncertain significance (2). Last evaluated 2024-04-15.

Conditions:
DICER1-related tumor predisposition. Also called: DICER1 syndrome; DICER1-related pleuropulmonary blastoma cancer predisposition syndrome. Identifiers: Orphanet 284343, MedGen C3839822, MONDO:0100216.
Hereditary cancer-predisposing syndrome. Also called: Tumor predisposition; Hereditary neoplastic syndrome; Neoplastic Syndromes, Hereditary; Hereditary Cancer Syndrome. Identifiers: Orphanet 140162, MedGen C0027672, MeSH D009386, MONDO:0015356.

Allele frequency attached by ClinVar (database versions not stated): gnomAD exomes below 0.00001; TOPMed below 0.00001; gnomAD 0.00001.
gnomAD v4.1: 4 of 1,613,778 alleles (0.00025%); highest among the groups gnomAD compares: Non-Finnish European, 0.00034%; no homozygotes.

Submissions (2):

Labcorp Genetics (formerly Invitae), Labcorp
Classification: Uncertain significance for DICER1-related tumor predisposition. Last evaluated: 2024-04-15. Review status: criteria provided, single submitter. Criteria: Invitae Variant Classification Sherloc (09022015). Collection method: clinical testing. Allele origin: germline.
Comment: This sequence change replaces aspartic acid, which is acidic and polar, with valine, which is neutral and non-polar, at codon 565 of the DICER1 protein (p.Asp565Val). This variant is not present in population databases (gnomAD no frequency). This variant has not been reported in the literature in individuals affected with DICER1-related conditions. ClinVar contains an entry for this variant (Variation ID: 938738). Advanced modeling of protein sequence and biophysical properties (such as structural, functional, and spatial information, amino acid conservation, physicochemical variation, residue mobility, and thermodynamic stability) performed at Invitae indicates that this missense variant is expected to disrupt DICER1 protein function with a positive predictive value of 80%. In summary, the available evidence is currently insufficient to determine the role of this variant in disease. Therefore, it has been classified as a Variant of Uncertain Significance.

Ambry Genetics
Classification: Uncertain significance for Hereditary cancer-predisposing syndrome. Last evaluated: 2024-01-10. Review status: criteria provided, single submitter. Criteria: Ambry Variant Classification Scheme 2023. Collection method: clinical testing. Allele origin: germline.
Comment: The p.D565V variant (also known as c.1694A>T), located in coding exon 9 of the DICER1 gene, results from an A to T substitution at nucleotide position 1694. The aspartic acid at codon 565 is replaced by valine, an amino acid with highly dissimilar properties. This amino acid position is highly conserved in available vertebrate species. In addition, this alteration is predicted to be deleterious by in silico analysis. Since supporting evidence is limited at this time, the clinical significance of this alteration remains unclear.